The following is an entry in ClinVar:

NM_182914.3(SYNE2):c.15034G>A (p.Gly5012Arg)

Gene: SYNE2 (spectrin repeat containing nuclear envelope protein 2; plus strand). Cytogenetic location: 14q23.2.
Variant type: single nucleotide variant.
Coding change: c.15034G>A on transcript NM_182914.3 (MANE Select); coding-DNA position 15034, G replaced by A.
Protein change: p.Gly5012Arg; replaces glycine 5012 with arginine.
Molecular consequence: missense variant.
Genome position (GRCh38, 1-based): chr14:64,141,398, G>A. VCF-style: chr14-64141398-G-A. GRCh37 (hg19) VCF-style: chr14-64608116-G-A.
Other names: c.15034G>A, p.Gly5012Arg (NM_015180.6); short protein forms G5012R.
Identifiers: ClinVar variation 1920733 (VCV001920733.6), dbSNP rs1249680373, ClinGen allele CA389940161.

ClinVar aggregate classification (germline): Uncertain significance. Review status: criteria provided, multiple submitters, no conflicts (2 of 4 stars). 2 submissions from 2 submitters: Uncertain significance (2). Last evaluated 2024-06-20.

Conditions:
Emery-Dreifuss muscular dystrophy 5, autosomal dominant (EDMD5). Also called: EMERY-DREIFUSS MUSCULAR DYSTROPHY 5. Identifiers: Orphanet 261, MedGen C2751805, MONDO:0013072, OMIM 612999.

Allele frequency attached by ClinVar (database versions not stated): gnomAD exomes 0.00001; TOPMed 0.00001; gnomAD 0.00002.
gnomAD v4.1: 7 of 1,613,820 alleles (0.00043%); highest among the groups gnomAD compares: Admixed American, 0.0033%; no homozygotes.

Submissions (2):

Women's Health and Genetics/Laboratory Corporation of America, LabCorp
Classification: Uncertain significance. Last evaluated: 2024-06-20. Review status: criteria provided, single submitter. Criteria: LabCorp Variant Classification Summary - May 2015. Collection method: clinical testing. Allele origin: germline.
Comment: Variant summary: SYNE2 c.15034G>A (p.Gly5012Arg) results in a non-conservative amino acid change in the encoded protein sequence. Four of five in-silico tools predict a damaging effect of the variant on protein function. The variant allele was found at a frequency of 4e-06 in 251274 control chromosomes. The available data on variant occurrences in the general population are insufficient to allow any conclusion about variant significance. To our knowledge, no occurrence of c.15034G>A in individuals affected with Emery-Dreifuss Muscular Dystrophy 5, Autosomal Dominant and no experimental evidence demonstrating its impact on protein function have been reported. ClinVar contains an entry for this variant (Variation ID: 1920733). Based on the evidence outlined above, the variant was classified as uncertain significance.

Labcorp Genetics (formerly Invitae), Labcorp
Classification: Uncertain significance for Emery-Dreifuss muscular dystrophy 5, autosomal dominant. Last evaluated: 2022-02-19. Review status: criteria provided, single submitter. Criteria: Invitae Variant Classification Sherloc (09022015). Collection method: clinical testing. Allele origin: germline.
Comment: This variant has not been reported in the literature in individuals affected with SYNE2-related conditions. This variant is present in population databases (no rsID available, gnomAD 0.003%). This sequence change replaces glycine, which is neutral and non-polar, with arginine, which is basic and polar, at codon 5012 of the SYNE2 protein (p.Gly5012Arg). Algorithms developed to predict the effect of missense changes on protein structure and function are either unavailable or do not agree on the potential impact of this missense change (SIFT: "Tolerated"; PolyPhen-2: "Probably Damaging"; Align-GVGD: "Class C0"). In summary, the available evidence is currently insufficient to determine the role of this variant in disease. Therefore, it has been classified as a Variant of Uncertain Significance.